The following is an entry in ClinVar:

ClinVar aggregate classification (germline): Uncertain significance (1 of 4 stars; one submission).

Conditions:
Bethlem myopathy 1A. Also called: MYOPATHY, BENIGN CONGENITAL, WITH CONTRACTURES; Bethlem myopathy 1; Bethlem Muscular Dystrophy. Identifiers: Orphanet 610, MedGen CN029274, MONDO:0024530, OMIM 158810.

Allele frequency attached by ClinVar (database versions not stated): gnomAD exomes below 0.00001.
gnomAD v4.1: 1 of 1,614,198 alleles (0.000062%); highest among the groups gnomAD compares: Admixed American, 0.0017%; no homozygotes.

Submission:

Labcorp Genetics (formerly Invitae), Labcorp
Classification: Uncertain significance for Bethlem myopathy 1A. Last evaluated: 2023-12-01. Review status: criteria provided, single submitter. Criteria: Invitae Variant Classification Sherloc (09022015). Collection method: clinical testing. Allele origin: germline.
Comment: This sequence change replaces serine, which is neutral and polar, with leucine, which is neutral and non-polar, at codon 18 of the COL6A3 protein (p.Ser18Leu). This variant is not present in population databases (gnomAD no frequency). This variant has not been reported in the literature in individuals affected with COL6A3-related conditions. Advanced modeling of protein sequence and biophysical properties (such as structural, functional, and spatial information, amino acid conservation, physicochemical variation, residue mobility, and thermodynamic stability) performed at Invitae indicates that this missense variant is not expected to disrupt COL6A3 protein function with a negative predictive value of 95%. In summary, the available evidence is currently insufficient to determine the role of this variant in disease. Therefore, it has been classified as a Variant of Uncertain Significance.

NM_004369.4(COL6A3):c.53C>T (p.Ser18Leu)

Gene: COL6A3 (collagen type VI alpha 3 chain; minus strand). Cytogenetic location: 2q37.3.
Variant type: single nucleotide variant.
Coding change: c.53C>T on transcript NM_004369.4 (MANE Select); coding-DNA position 53, C replaced by T.
Protein change: p.Ser18Leu; replaces serine 18 with leucine.
Molecular consequence: missense variant.
Genome position (GRCh38, 1-based): chr2:237,396,765, G>A on the plus strand (C>T on the coding strand, the complement: COL6A3 is on the minus strand). VCF-style: chr2-237396765-G-A. GRCh37 (hg19) VCF-style: chr2-238305408-G-A.
Other names: c.53C>T, p.Ser18Leu (NM_057164.5, NM_057165.5, NM_057166.5 and 1 more transcripts); short protein forms S18L.
Identifiers: ClinVar variation 2713567 (VCV002713567.3), dbSNP rs2469981282, ClinGen allele CA351229216.